The following is an entry in ClinVar:

NM_006904.7(PRKDC):c.2180C>G (p.Ala727Gly)

Gene: PRKDC (protein kinase, DNA-activated, catalytic subunit; minus strand). Cytogenetic location: 8q11.21.
Variant type: single nucleotide variant.
Coding change: c.2180C>G on transcript NM_006904.7 (MANE Select); coding-DNA position 2180, C replaced by G.
Protein change: p.Ala727Gly; replaces alanine 727 with glycine.
Molecular consequence: missense variant.
Genome position (GRCh38, 1-based): chr8:47,927,850, G>C on the plus strand (C>G on the coding strand, the complement: PRKDC is on the minus strand). VCF-style: chr8-47927850-G-C. GRCh37 (hg19) VCF-style: chr8-48840410-G-C.
Other names: c.2180C>G, p.Ala727Gly (NM_001081640.2); short protein forms A727G.
Identifiers: ClinVar variation 1787260 (VCV001787260.2), dbSNP rs1275453572, ClinGen allele CA371162750.
Genomic context (GRCh38, chr8:47,927,850, plus strand): 5'-GCTCTAACATCGAGTTCAATGATGTTGTGTGGCAAGGACAGAAGAAAGGTCAAACAAGAG[G>C]CCAAAAGTTCATCTTTGTACTGCTTCATTTTAACTGCCACCTTAACAAGAAAGAAGACAG-3'
Protein context (NP_008835.5, residues 717-737): KMKQYKDELL[Ala727Gly]SCLTFLLSLP

ClinVar aggregate classification (germline): Uncertain significance (1 of 4 stars; one submission).

Submission:

Ambry Genetics
Classification: Uncertain significance. Last evaluated: 2022-06-07. Review status: criteria provided, single submitter. Criteria: Ambry Variant Classification Scheme 2023. Collection method: clinical testing. Allele origin: germline.
Comment: The p.A727G variant (also known as c.2180C>G), located in coding exon 20 of the PRKDC gene, results from a C to G substitution at nucleotide position 2180. The alanine at codon 727 is replaced by glycine, an amino acid with similar properties. This amino acid position is conserved. In addition, the in silico prediction for this alteration is inconclusive. Since supporting evidence is limited at this time, the clinical significance of this alteration remains unclear.